The following is an entry in ClinVar:

NM_001135651.3(EIF2AK2):c.868G>A (p.Gly290Arg)

Gene: EIF2AK2 (eukaryotic translation initiation factor 2 alpha kinase 2; minus strand). Cytogenetic location: 2p22.2.
Variant type: single nucleotide variant.
Coding change: c.868G>A on transcript NM_001135651.3 (MANE Select); coding-DNA position 868, G replaced by A.
Protein change: p.Gly290Arg; replaces glycine 290 with arginine.
Molecular consequence: missense variant. On other transcripts: intron variant (1).
Genome position (GRCh38, 1-based): chr2:37,126,329, C>T on the plus strand (G>A on the coding strand, the complement: EIF2AK2 is on the minus strand). VCF-style: chr2-37126329-C-T. GRCh37 (hg19) VCF-style: chr2-37353472-C-T.
Other names: c.868G>A, p.Gly290Arg (NM_002759.4); c.786-3665G>A (NM_001135652.2); short protein forms G290R.
Identifiers: ClinVar variation 2069463 (VCV002069463.5), dbSNP rs139014739, ClinGen allele CA1615165.

ClinVar aggregate classification (germline): Benign/Likely benign. Review status: criteria provided, multiple submitters, no conflicts (2 of 4 stars). 3 submissions from 3 submitters: Benign (1); Likely benign (2). Last evaluated 2026-10-01.

Conditions:
Inborn genetic diseases. Identifiers: MedGen C0950123, MeSH D030342.

Allele frequency attached by ClinVar (database versions not stated): gnomAD 0.00025; gnomAD exomes 0.00035; ExAC 0.00012; TOPMed 0.00025; ESP Exome Variant Server 0.00038.
gnomAD v4.1: 536 of 1,610,950 alleles (0.033%); highest among the groups gnomAD compares: Non-Finnish European, 0.042%; no homozygotes.

Submissions (3):

CeGaT Center for Human Genetics Tuebingen
Classification: Likely benign. Last evaluated: 2026-10-01. Review status: criteria provided, single submitter. Criteria: CeGaT Center For Human Genetics Tuebingen Variant Classification Criteria Version 2. Collection method: clinical testing. Allele origin: germline. Affected: yes. Observed: 1 variant allele.
Comment: EIF2AK2: BP4

Labcorp Genetics (formerly Invitae), Labcorp
Classification: Benign. Last evaluated: 2025-10-26. Review status: criteria provided, single submitter. Criteria: Invitae Variant Classification Sherloc (09022015). Collection method: clinical testing. Allele origin: germline.

Ambry Genetics
Classification: Likely benign for Inborn genetic diseases. Last evaluated: 2021-12-02. Review status: criteria provided, single submitter. Criteria: Ambry Variant Classification Scheme 2023. Collection method: clinical testing. Allele origin: germline.